The following is an entry in ClinVar:

ClinVar aggregate classification (germline): Likely pathogenic. Review status: criteria provided, multiple submitters, no conflicts (2 of 4 stars). 2 submissions from 2 submitters: Likely pathogenic (2). Last evaluated 2024-05-09.

Conditions:
Anemia, congenital dyserythropoietic, type 1a (CDAN1A). Also called: CDAN1-Related Congenital Dyserythropoietic Anemia; DYSERYTHROPOIETIC ANEMIA, CONGENITAL, TYPE Ia. Identifiers: MedGen C5574667, MONDO:0009135, OMIM 224120.
Congenital dyserythropoietic anemia, type I. Also called: Dyserythropoietic anemia, congenital type 1. Identifiers: Orphanet 98869, MedGen C0271933, MONDO:0020337. Disease mechanism: loss of function.

gnomAD v4.1: 21 of 1,561,350 alleles (0.0013%); highest among the groups gnomAD compares: East Asian, 0.0025%; no homozygotes.

Submissions (2):

Fulgent Genetics
Classification: Likely pathogenic for Anemia, congenital dyserythropoietic, type 1a. Last evaluated: 2024-05-09. Review status: criteria provided, single submitter. Criteria: ACMG Guidelines, 2015. Collection method: clinical testing. Allele origin: germline.

Women's Health and Genetics/Laboratory Corporation of America, LabCorp
Classification: Likely pathogenic for Congenital dyserythropoietic anemia, type I. Last evaluated: 2024-05-03. Review status: criteria provided, single submitter. Criteria: LabCorp Variant Classification Summary - May 2015. Collection method: clinical testing. Allele origin: germline.
Comment: Variant summary: CDAN1 c.152C>T (p.Pro51Leu) results in a non-conservative amino acid change in the encoded protein sequence. Four of five in-silico tools predict a damaging effect of the variant on protein function. The variant allele was found at a frequency of 5.9e-06 in 170234 control chromosomes. c.152C>T has been reported in the literature in the homozygous state in at least two individuals affected with Congenital dyserythropoietic anemia, type I (e.g. Roy_2016, Scott_2022). These data indicate that the variant is likely to be associated with disease. To our knowledge, no experimental evidence demonstrating an impact on protein function has been reported. The following publications have been ascertained in the context of this evaluation (PMID: 27432187, 35417566). No submitters have cited clinical-significance assessments for this variant to ClinVar. Based on the evidence outlined above, the variant was classified as likely pathogenic.

Literature cited by the submitters: PubMed 27432187 (cited by Women's Health and Genetics/Laboratory Corporation of America, LabCorp); PubMed 35417566 (cited by Women's Health and Genetics/Laboratory Corporation of America, LabCorp).

NM_138477.4(CDAN1):c.152C>T (p.Pro51Leu)

Gene: CDAN1 (codanin 1; minus strand). Cytogenetic location: 15q15.2.
Variant type: single nucleotide variant.
Coding change: c.152C>T on transcript NM_138477.4 (MANE Select); coding-DNA position 152, C replaced by T.
Protein change: p.Pro51Leu; replaces proline 51 with leucine.
Molecular consequence: missense variant.
Genome position (GRCh38, 1-based): chr15:42,736,719, G>A on the plus strand (C>T on the coding strand, the complement: CDAN1 is on the minus strand). VCF-style: chr15-42736719-G-A. GRCh37 (hg19) VCF-style: chr15-43028917-G-A.
Other names: short protein forms P51L.
Identifiers: ClinVar variation 3336216 (VCV003336216.2).